The following is an entry in ClinVar:

NM_001235.5(SERPINH1):c.580C>A (p.Arg194Ser)

Gene: SERPINH1 (serpin family H member 1; plus strand). Cytogenetic location: 11q13.5.
Variant type: single nucleotide variant.
Coding change: c.580C>A on transcript NM_001235.5 (MANE Select); coding-DNA position 580, C replaced by A.
Protein change: p.Arg194Ser; replaces arginine 194 with serine.
Molecular consequence: missense variant.
Genome position (GRCh38, 1-based): chr11:75,566,929, C>A. VCF-style: chr11-75566929-C-A. GRCh37 (hg19) VCF-style: chr11-75277974-C-A.
Other names: c.580C>A, p.Arg194Ser (NM_001207014.3); short protein forms R194S.
Identifiers: ClinVar variation 195143 (VCV000195143.48), dbSNP rs141721173, ClinGen allele CA241426.

ClinVar aggregate classification (germline): Conflicting classifications of pathogenicity. Review status: criteria provided, conflicting classifications (1 of 4 stars). 8 submissions from 8 submitters: Uncertain significance (5); Likely benign (2). 1 of the submissions does not count toward it. Last evaluated 2026-10-14.

Conditions:
SERPINH1-related disorder. Also called: SERPINH1-related condition.
Preterm premature rupture of membranes (PPROM). Also called: Preterm premature rupture of the membranes. Identifiers: MedGen C0729264, MONDO:0012511, OMIM 610504, HP:6000310.
Osteogenesis imperfecta type 10 (OI10). Also called: OI, TYPE X. Identifiers: Orphanet 666, MedGen C3151211, MONDO:0013459, OMIM 613848.

Allele frequency attached by ClinVar (database versions not stated): ESP Exome Variant Server 0.00046; TOPMed 0.00087; gnomAD 0.00100; 1000 Genomes Project 30x 0.00031; 1000 Genomes Project 0.00040.

Submissions (8):

GeneDx
Classification: Uncertain significance. Last evaluated: 2026-10-14. Review status: criteria provided, single submitter. Criteria: GeneDx Variant Classification Process June 2021. Collection method: clinical testing. Allele origin: germline.
Comment: Identified by noninvasive prenatal testing in a fetus with ultrasound findings suggestive of osteogenesis imperfecta; however, a second variant was not identified and confirmation via sequencing the child's genomic DNA after birth was not performed (PMID: 30043834); In silico analysis suggests that this missense variant does not alter protein structure/function; This variant is associated with the following publications: (PMID: 30986427, 32161841, 30043834, 35495172)

Labcorp Genetics (formerly Invitae), Labcorp
Classification: Likely benign. Last evaluated: 2026-01-04. Review status: criteria provided, single submitter. Criteria: Invitae Variant Classification Sherloc (09022015). Collection method: clinical testing. Allele origin: germline.

CeGaT Center for Human Genetics Tuebingen
Classification: Likely benign. Last evaluated: 2023-11-01. Review status: criteria provided, single submitter. Criteria: CeGaT Center For Human Genetics Tuebingen Variant Classification Criteria Version 2. Collection method: clinical testing. Allele origin: germline. Affected: yes. Observed: 1 variant allele.
Comment: SERPINH1: BP4

Women's Health and Genetics/Laboratory Corporation of America, LabCorp
Classification: Uncertain significance. Last evaluated: 2023-08-11. Review status: criteria provided, single submitter. Criteria: LabCorp Variant Classification Summary - May 2015. Collection method: clinical testing. Allele origin: germline.
Comment: Variant summary: SERPINH1 c.580C>A (p.Arg194Ser) results in a non-conservative amino acid change located in the Serpin domain (IPR023796) of the encoded protein sequence. Three of five in-silico tools predict a damaging effect of the variant on protein function. The variant allele was found at a frequency of 0.00073 in 239694 control chromosomes. c.580C>A has been reported in the literature in individuals affected with low bone mass (Chen_2020). These reports do not provide unequivocal conclusions about association of the variant with Osteogenesis Imperfecta Type 10. To our knowledge, no experimental evidence demonstrating an impact on protein function has been reported. Five submitters have cited clinical-significance assessments for this variant to ClinVar after 2014 and classified as VUS (n=4) and likely benign (n=1). Based on the evidence outlined above, the variant was classified as uncertain significance.

Fulgent Genetics
Classification: Uncertain significance for Preterm premature rupture of membranes; Osteogenesis imperfecta type 10. Last evaluated: 2018-10-31. Review status: criteria provided, single submitter. Criteria: ACMG Guidelines, 2015. Collection method: clinical testing. Allele origin: unknown.

Illumina Laboratory Services, Illumina
Classification: Uncertain significance for Osteogenesis imperfecta type 10. Last evaluated: 2018-01-13. Review status: criteria provided, single submitter. Criteria: ICSL Variant Classification Criteria 13 December 2019. Collection method: clinical testing. Allele origin: germline.

Eurofins Ntd Llc (ga)
Classification: Uncertain significance. Last evaluated: 2015-02-26. Review status: criteria provided, single submitter. Criteria: EGL Classification Definitions 2015. Collection method: clinical testing. Allele origin: germline. Observed: 4 variant alleles, 4 heterozygotes.

PreventionGenetics, part of Exact Sciences
Classification: Uncertain significance for SERPINH1-related condition. Last evaluated: 2024-04-12. Review status: no assertion criteria provided. Collection method: clinical testing. Allele origin: germline. Not counted in ClinVar's aggregate classification.
Comment: The SERPINH1 c.580C>A variant is predicted to result in the amino acid substitution p.Arg194Ser. To our knowledge, this variant has not been reported in the literature. This variant is reported in 0.12% of alleles in individuals of European (Non-Finnish) descent in gnomAD. Although we suspect that this variant may be benign, at this time, the clinical significance of this variant is uncertain due to the absence of conclusive functional and genetic evidence.

Literature cited by the submitters: PubMed 32161841 (cited by Women's Health and Genetics/Laboratory Corporation of America, LabCorp).